The following is an entry in ClinVar:

NM_014244.5(ADAMTS2):c.310G>A (p.Glu104Lys)

Gene: ADAMTS2 (ADAM metallopeptidase with thrombospondin type 1 motif 2; minus strand). Cytogenetic location: 5q35.3.
Variant type: single nucleotide variant.
Coding change: c.310G>A on transcript NM_014244.5 (MANE Select); coding-DNA position 310, G replaced by A.
Protein change: p.Glu104Lys; replaces glutamic acid 104 with lysine.
Molecular consequence: missense variant.
Genome position (GRCh38, 1-based): chr5:179,343,991, C>T on the plus strand (G>A on the coding strand, the complement: ADAMTS2 is on the minus strand). VCF-style: chr5-179343991-C-T. GRCh37 (hg19) VCF-style: chr5-178770992-C-T.
Other names: c.310G>A, p.Glu104Lys (NM_021599.4); short protein forms E104K.
Identifiers: ClinVar variation 1063977 (VCV001063977.9), dbSNP rs1757859981, ClinGen allele CA362623019.

ClinVar aggregate classification (germline): Uncertain significance (1 of 4 stars; one submission).

Conditions:
Ehlers-Danlos syndrome, dermatosparaxis type. Also called: Dermatosparaxis; EDS VIIC; Ehlers-Danlos syndrome, type VII, autosomal recessive. Identifiers: Orphanet 1901, MedGen C2700425, MONDO:0009161, OMIM 225410.

Allele frequency attached by ClinVar (database versions not stated): gnomAD exomes below 0.00001; TOPMed below 0.00001.
gnomAD v4.1: 4 of 1,612,716 alleles (0.00025%); highest among the groups gnomAD compares: Non-Finnish European, 0.00034%; no homozygotes.

Submission:

Labcorp Genetics (formerly Invitae), Labcorp
Classification: Uncertain significance for Ehlers-Danlos syndrome, dermatosparaxis type. Last evaluated: 2020-05-15. Review status: criteria provided, single submitter. Criteria: Invitae Variant Classification Sherloc (09022015). Collection method: clinical testing. Allele origin: germline.
Comment: This sequence change replaces glutamic acid with lysine at codon 104 of the ADAMTS2 protein (p.Glu104Lys). The glutamic acid residue is weakly conserved and there is a small physicochemical difference between glutamic acid and lysine. This variant is not present in population databases (ExAC no frequency). This variant has not been reported in the literature in individuals with ADAMTS2-related conditions. Algorithms developed to predict the effect of missense changes on protein structure and function are either unavailable or do not agree on the potential impact of this missense change (SIFT: "Deleterious"; PolyPhen-2: "Benign"; Align-GVGD: "Class C0"). In summary, the available evidence is currently insufficient to determine the role of this variant in disease. Therefore, it has been classified as a Variant of Uncertain Significance.